The following is an entry in ClinVar:

NM_030916.3(NECTIN4):c.883G>A (p.Val295Met)

Gene: NECTIN4 (nectin cell adhesion molecule 4; minus strand). Cytogenetic location: 1q23.3.
Variant type: single nucleotide variant.
Coding change: c.883G>A on transcript NM_030916.3 (MANE Select); coding-DNA position 883, G replaced by A.
Protein change: p.Val295Met; replaces valine 295 with methionine.
Molecular consequence: missense variant.
Genome position (GRCh38, 1-based): chr1:161,074,728, C>T on the plus strand (G>A on the coding strand, the complement: NECTIN4 is on the minus strand). VCF-style: chr1-161074728-C-T. GRCh37 (hg19) VCF-style: chr1-161044518-C-T.
Other names: short protein forms V295M.
Identifiers: ClinVar variation 2200839 (VCV002200839.3), dbSNP rs373409475, ClinGen allele CA1204969.

ClinVar aggregate classification (germline): Uncertain significance (1 of 4 stars; one submission).

Allele frequency attached by ClinVar (database versions not stated): gnomAD exomes 0.00002; gnomAD 0.00005; TOPMed 0.00006; ExAC 0.00011; 1000 Genomes Project 30x 0.00016; 1000 Genomes Project 0.00020.

Submission:

Labcorp Genetics (formerly Invitae), Labcorp
Classification: Uncertain significance. Last evaluated: 2024-10-22. Review status: criteria provided, single submitter. Criteria: Invitae Variant Classification Sherloc (09022015). Collection method: clinical testing. Allele origin: germline.
Comment: This sequence change replaces valine, which is neutral and non-polar, with methionine, which is neutral and non-polar, at codon 295 of the NECTIN4 protein (p.Val295Met). This variant is present in population databases (rs373409475, gnomAD 0.1%). This variant has not been reported in the literature in individuals affected with NECTIN4-related conditions. ClinVar contains an entry for this variant (Variation ID: 2200839). Invitae Evidence Modeling of protein sequence and biophysical properties (such as structural, functional, and spatial information, amino acid conservation, physicochemical variation, residue mobility, and thermodynamic stability) indicates that this missense variant is not expected to disrupt NECTIN4 protein function with a negative predictive value of 80%. In summary, the available evidence is currently insufficient to determine the role of this variant in disease. Therefore, it has been classified as a Variant of Uncertain Significance.